The following is an entry in ClinVar:

NM_032444.4(SLX4):c.4823C>G (p.Ser1608Ter)

Gene: SLX4 (SLX4 structure-specific endonuclease subunit; minus strand). Cytogenetic location: 16p13.3.
Variant type: single nucleotide variant.
Coding change: c.4823C>G on transcript NM_032444.4 (MANE Select); coding-DNA position 4823, C replaced by G.
Protein change: p.Ser1608Ter; replaces serine 1608 with a stop codon.
Molecular consequence: nonsense.
Genome position (GRCh38, 1-based): chr16:3,583,427, G>C on the plus strand (C>G on the coding strand, the complement: SLX4 is on the minus strand). VCF-style: chr16-3583427-G-C. GRCh37 (hg19) VCF-style: chr16-3633428-G-C.
Other names: c.4823C>G (NM_032444.3); short protein forms S1608*.
Identifiers: ClinVar variation 591573 (VCV000591573.37), dbSNP rs200628199, ClinGen allele CA276952810.

ClinVar aggregate classification (germline): Pathogenic/Likely pathogenic. Review status: criteria provided, multiple submitters, no conflicts (2 of 4 stars). 5 submissions from 5 submitters: Pathogenic (1); Likely pathogenic (3). 1 of the submissions does not count toward it. Last evaluated 2025-08-20.

Conditions:
SLX4-related disorder. Also called: SLX4-related condition.
Fanconi anemia complementation group P. Also called: SLX4-Related Fanconi Anemia. Identifiers: Orphanet 84, MedGen C3469542, MONDO:0013499, OMIM 613951.
Fanconi anemia (FA). Also called: Fanconi's anemia. Identifiers: Orphanet 84, MedGen C0015625, MeSH D005199, MONDO:0019391.

Allele frequency attached by ClinVar (database versions not stated): gnomAD exomes 0.00001.
gnomAD v4.1: 7 of 1,613,998 alleles (0.00043%); highest among the groups gnomAD compares: Non-Finnish European, 0.00059%; no homozygotes.

Submissions (5):

Labcorp Genetics (formerly Invitae), Labcorp
Classification: Pathogenic for Fanconi anemia. Last evaluated: 2025-08-20. Review status: criteria provided, single submitter. Criteria: Invitae Variant Classification Sherloc (09022015). Collection method: clinical testing. Allele origin: germline.
Comment: This sequence change creates a premature translational stop signal (p.Ser1608*) in the SLX4 gene. It is expected to result in an absent or disrupted protein product. Loss-of-function variants in SLX4 are known to be pathogenic (PMID: 21240277). This variant is not present in population databases (gnomAD no frequency). This variant has not been reported in the literature in individuals affected with SLX4-related conditions. ClinVar contains an entry for this variant (Variation ID: 591573). For these reasons, this variant has been classified as Pathogenic.

Fulgent Genetics
Classification: Likely pathogenic for Fanconi anemia complementation group P. Last evaluated: 2024-04-29. Review status: criteria provided, single submitter. Criteria: ACMG Guidelines, 2015. Collection method: clinical testing. Allele origin: germline.

PreventionGenetics, part of Exact Sciences
Classification: Likely pathogenic for SLX4-related condition. Last evaluated: 2022-12-13. Review status: criteria provided, single submitter. Criteria: ACMG Guidelines, 2015. Collection method: clinical testing. Allele origin: germline.
Comment: The SLX4 c.4823C>G variant is predicted to result in premature protein termination (p.Ser1608*). To our knowledge, this variant has not been reported in the literature or in a large population database, indicating this variant is rare. Nonsense variants in SLX4 are expected to be pathogenic. This variant is interpreted as likely pathogenic.

CeGaT Center for Human Genetics Tuebingen
Classification: Likely pathogenic. Last evaluated: 2022-04-01. Review status: criteria provided, single submitter. Criteria: CeGaT Center For Human Genetics Tuebingen Variant Classification Criteria Version 2. Collection method: clinical testing. Allele origin: germline. Affected: yes. Observed: 1 variant allele.
Comment: SLX4: PVS1:Strong, PM2

Gharavi Laboratory, Columbia University
Classification: Uncertain significance. Last evaluated: 2018-09-16. Review status: no assertion criteria provided. Criteria: ACMG Guidelines, 2015. Collection method: research. Allele origin: germline. Affected: yes. Not counted in ClinVar's aggregate classification.

Literature cited by the submitters: PubMed 21240277 (cited by Labcorp Genetics (formerly Invitae), Labcorp).